The following is an entry in ClinVar:

NM_000088.4(COL1A1):c.3903C>A (p.Tyr1301Ter)

Gene: COL1A1 (collagen type I alpha 1 chain; minus strand). Cytogenetic location: 17q21.33.
Variant type: single nucleotide variant.
Coding change: c.3903C>A on transcript NM_000088.4 (MANE Select); coding-DNA position 3903, C replaced by A.
Protein change: p.Tyr1301Ter; replaces tyrosine 1301 with a stop codon.
Molecular consequence: nonsense.
Genome position (GRCh38, 1-based): chr17:50,186,419, G>T on the plus strand (C>A on the coding strand, the complement: COL1A1 is on the minus strand). VCF-style: chr17-50186419-G-T. GRCh37 (hg19) VCF-style: chr17-48263780-G-T.
Other names: short protein forms Y1301*.
Identifiers: ClinVar variation 1452932 (VCV001452932.6), dbSNP rs1239012334, ClinGen allele CA400193563.

ClinVar aggregate classification (germline): Pathogenic (1 of 4 stars; one submission).

Conditions:
Osteogenesis imperfecta type I (OI1). Also called: Lobstein disease; Classic Non-deforming Osteogenesis Imperfecta with Blue Sclerae; OI, TYPE I; OSTEOGENESIS IMPERFECTA TARDA; OSTEOGENESIS IMPERFECTA WITH BLUE SCLERAE; Osteogenesis imperfecta type 1. Identifiers: Orphanet 216796, Orphanet 666, MedGen C0023931, MONDO:0008146, OMIM 166200. Disease mechanism: loss of function.

Submission:

Labcorp Genetics (formerly Invitae), Labcorp
Classification: Pathogenic for Osteogenesis imperfecta type I. Last evaluated: 2024-11-26. Review status: criteria provided, single submitter. Criteria: Invitae Variant Classification Sherloc (09022015). Collection method: clinical testing. Allele origin: germline.
Comment: This sequence change creates a premature translational stop signal (p.Tyr1301*) in the COL1A1 gene. It is expected to result in an absent or disrupted protein product. Loss-of-function variants in COL1A1 are known to be pathogenic (PMID: 7942841, 9295084, 9443882). This variant is not present in population databases (gnomAD no frequency). This premature translational stop signal has been observed in individual(s) with osteogenesis imperfecta (PMID: 36709916). ClinVar contains an entry for this variant (Variation ID: 1452932). For these reasons, this variant has been classified as Pathogenic.

Literature cited by the submitters: PubMed 7942841; PubMed 9295084; PubMed 9443882; PubMed 36709916.